The following is an entry in ClinVar:

NM_138959.3(VANGL1):c.*5266C>T

Gene: VANGL1 (VANGL planar cell polarity protein 1; plus strand). Cytogenetic location: 1p13.1.
Variant type: single nucleotide variant.
Coding change: c.*5266C>T on transcript NM_138959.3 (MANE Select); 5266 bases downstream of the stop codon, C replaced by T.
Molecular consequence: 3 prime UTR variant.
Genome position (GRCh38, 1-based): chr1:115,696,645, C>T. VCF-style: chr1-115696645-C-T. GRCh37 (hg19) VCF-style: chr1-116239266-C-T.
Other names: c.*5266C>T (NM_001172411.2, NM_001172412.2).
Identifiers: ClinVar variation 292084 (VCV000292084.8), dbSNP rs17034230, ClinGen allele CA10607770.

ClinVar aggregate classification (germline): Benign/Likely benign. Review status: criteria provided, multiple submitters, no conflicts (2 of 4 stars). 3 submissions from 2 submitters: Benign (2); Likely benign (1). Last evaluated 2018-01-13.

Conditions:
Sacral defect with anterior meningocele. Identifiers: MedGen C1838568, OMIM 600145.
Neural tube defect (NTD). Also called: Neural tube defects. Identifiers: Orphanet 3388, Orphanet 823, MedGen C0027794, MONDO:0018075, HP:0045005.

Allele frequency attached by ClinVar (database versions not stated): gnomAD 0.16603 and 0.16811; TOPMed 0.16626; 1000 Genomes Project 0.17532; 1000 Genomes Project 30x 0.18364.

Submissions (3):

Illumina Laboratory Services, Illumina
Classification: Benign for Sacral defect with anterior meningocele. Last evaluated: 2018-01-13. Review status: criteria provided, single submitter. Criteria: ICSL Variant Classification Criteria 13 December 2019. Collection method: clinical testing. Allele origin: germline.
Comment: This variant was observed in the ICSL laboratory as part of a predisposition screen in an ostensibly healthy population. It had not been previously curated by ICSL or reported in the Human Gene Mutation Database (HGMD: prior to June 1st, 2018), and was therefore a candidate for classification through an automated scoring system. Utilizing variant allele frequency, disease prevalence and penetrance estimates, and inheritance mode, an automated score was calculated to assess if this variant is too frequent to cause the disease. Based on the score and internal cut-off values, a variant classified as benign is not then subjected to further curation. The score for this variant resulted in a classification of benign for this disease.

Illumina Laboratory Services, Illumina
Classification: Benign for Neural tube defects, susceptibility to. Last evaluated: 2018-01-13. Review status: criteria provided, single submitter. Criteria: ICSL Variant Classification Criteria 13 December 2019. Collection method: clinical testing. Allele origin: germline.
Comment: the same text as in the submission from Illumina Laboratory Services, Illumina above.

Breakthrough Genomics
Classification: Likely benign. Review status: criteria provided, single submitter. Criteria: ACMG Guidelines, 2015. Collection method: not provided. Allele origin: germline. Inheritance: Autosomal dominant inheritance. Affected: yes.